The following is an entry in ClinVar:

NM_018192.4(P3H2):c.1921A>G (p.Met641Val)

Gene: P3H2 (prolyl 3-hydroxylase 2; minus strand). Cytogenetic location: 3q28.
Variant type: single nucleotide variant.
Coding change: c.1921A>G on transcript NM_018192.4 (MANE Select); coding-DNA position 1921, A replaced by G.
Protein change: p.Met641Val; replaces methionine 641 with valine.
Molecular consequence: missense variant.
Genome position (GRCh38, 1-based): chr3:189,964,071, T>C on the plus strand (A>G on the coding strand, the complement: P3H2 is on the minus strand). VCF-style: chr3-189964071-T-C. GRCh37 (hg19) VCF-style: chr3-189681860-T-C.
Other names: c.1378A>G, p.Met460Val (NM_001134418.2); c.1921A>G (NM_018192.3); short protein forms M460V, M641V.
Identifiers: ClinVar variation 2147783 (VCV002147783.3), dbSNP rs1263758487, ClinGen allele CA355751997.

ClinVar aggregate classification (germline): Uncertain significance. Review status: criteria provided, multiple submitters, no conflicts (2 of 4 stars). 2 submissions from 2 submitters: Uncertain significance (2). Last evaluated 2023-05-09.

Conditions:
Inborn genetic diseases. Identifiers: MedGen C0950123, MeSH D030342.

gnomAD v4.1: 20 of 1,614,052 alleles (0.0012%); highest among the groups gnomAD compares: Non-Finnish European, 0.0016%; no homozygotes.

Submissions (2):

Ambry Genetics
Classification: Uncertain significance for Inborn genetic diseases. Last evaluated: 2023-05-09. Review status: criteria provided, single submitter. Criteria: Ambry Variant Classification Scheme 2023. Collection method: clinical testing. Allele origin: germline.

Labcorp Genetics (formerly Invitae), Labcorp
Classification: Uncertain significance. Last evaluated: 2022-03-14. Review status: criteria provided, single submitter. Criteria: Invitae Variant Classification Sherloc (09022015). Collection method: clinical testing. Allele origin: germline.
Comment: This sequence change replaces methionine, which is neutral and non-polar, with valine, which is neutral and non-polar, at codon 641 of the P3H2 protein (p.Met641Val). This variant is not present in population databases (gnomAD no frequency). This variant has not been reported in the literature in individuals affected with P3H2-related conditions. Algorithms developed to predict the effect of missense changes on protein structure and function are either unavailable or do not agree on the potential impact of this missense change (SIFT: "Deleterious"; PolyPhen-2: "Benign"; Align-GVGD: "Class C0"). In summary, the available evidence is currently insufficient to determine the role of this variant in disease. Therefore, it has been classified as a Variant of Uncertain Significance.